The following is an entry in ClinVar:

NM_002296.4(LBR):c.1684T>A (p.Cys562Ser)

Gene: LBR (lamin B receptor; minus strand). Cytogenetic location: 1q42.12.
Variant type: single nucleotide variant.
Coding change: c.1684T>A on transcript NM_002296.4 (MANE Select); coding-DNA position 1684, T replaced by A.
Protein change: p.Cys562Ser; replaces cysteine 562 with serine.
Molecular consequence: missense variant.
Genome position (GRCh38, 1-based): chr1:225,404,407, A>T on the plus strand (T>A on the coding strand, the complement: LBR is on the minus strand). VCF-style: chr1-225404407-A-T. GRCh37 (hg19) VCF-style: chr1-225592109-A-T.
Other names: c.1684T>A, p.Cys562Ser (NM_194442.3); short protein forms C562S.
Identifiers: ClinVar variation 1491963 (VCV001491963.8), dbSNP rs2150943249, ClinGen allele CA344992785.

ClinVar aggregate classification (germline): Uncertain significance (1 of 4 stars; one submission).

Submission:

Labcorp Genetics (formerly Invitae), Labcorp
Classification: Uncertain significance. Last evaluated: 2023-10-13. Review status: criteria provided, single submitter. Criteria: Invitae Variant Classification Sherloc (09022015). Collection method: clinical testing. Allele origin: germline.
Comment: This sequence change replaces cysteine, which is neutral and slightly polar, with serine, which is neutral and polar, at codon 562 of the LBR protein (p.Cys562Ser). This variant is not present in population databases (gnomAD no frequency). This variant has not been reported in the literature in individuals affected with LBR-related conditions. ClinVar contains an entry for this variant (Variation ID: 1491963). Advanced modeling of protein sequence and biophysical properties (such as structural, functional, and spatial information, amino acid conservation, physicochemical variation, residue mobility, and thermodynamic stability) performed at Invitae indicates that this missense variant is not expected to disrupt LBR protein function. In summary, the available evidence is currently insufficient to determine the role of this variant in disease. Therefore, it has been classified as a Variant of Uncertain Significance.